The following is an entry in ClinVar:

NM_001999.4(FBN2):c.5180A>G (p.Asn1727Ser)

Gene: FBN2 (fibrillin 2; minus strand). Cytogenetic location: 5q23.3.
Variant type: single nucleotide variant.
Coding change: c.5180A>G on transcript NM_001999.4 (MANE Select); coding-DNA position 5180, A replaced by G.
Protein change: p.Asn1727Ser; replaces asparagine 1727 with serine.
Molecular consequence: missense variant.
Genome position (GRCh38, 1-based): chr5:128,310,003, T>C on the plus strand (A>G on the coding strand, the complement: FBN2 is on the minus strand). VCF-style: chr5-128310003-T-C. GRCh37 (hg19) VCF-style: chr5-127645695-T-C.
Other names: short protein forms N1727S.
Identifiers: ClinVar variation 3369707 (VCV003369707.1).

ClinVar aggregate classification (germline): Uncertain significance (1 of 4 stars; one submission).

gnomAD v4.1: 7 of 1,613,960 alleles (0.00043%); highest among the groups gnomAD compares: East Asian, 0.0022%; no homozygotes.

Submission:

GeneDx
Classification: Uncertain significance. Last evaluated: 2024-02-26. Review status: criteria provided, single submitter. Criteria: GeneDx Variant Classification Process June 2021. Collection method: clinical testing. Allele origin: germline. Affected: yes.
Comment: Has not been previously published as pathogenic or benign to our knowledge; Not observed at significant frequency in large population cohorts (gnomAD); Although located in a calcium-binding EGF-like domain of the FBN2 gene, it does not substitute or introduce a cysteine residue (PMID: 19006240, 18767143); At the protein level, in silico analysis supports that this missense variant has a deleterious effect on protein structure/function; At the mRNA level, in silico analysis supports a deleterious effect on splicing; This variant is associated with the following publications: (PMID: 19006240, 18767143)